The following is an entry in ClinVar:

ClinVar aggregate classification (germline): Pathogenic. Review status: criteria provided, multiple submitters, no conflicts (2 of 4 stars). 3 submissions from 3 submitters: Pathogenic (2). 1 of the submissions does not count toward it. Last evaluated 2025-10-22.

Conditions:
Telangiectasia, hereditary hemorrhagic, type 5 (HHT5). Identifiers: Orphanet 774, MedGen C3809710, MONDO:0014217, OMIM 615506.
Pulmonary arterial hypertension. Identifiers: Orphanet 182090, MedGen C2973725, MeSH D000081029, MONDO:0015924, HP:0002092.

Allele frequency attached by ClinVar (database versions not stated): gnomAD exomes below 0.00001; gnomAD 0.00003.
gnomAD v4.1: 3 of 1,609,822 alleles (0.00019%); highest among the groups gnomAD compares: Admixed American, 0.0033%; no homozygotes.

Submissions (3):

Labcorp Genetics (formerly Invitae), Labcorp
Classification: Pathogenic for Telangiectasia, hereditary hemorrhagic, type 5. Last evaluated: 2025-10-22. Review status: criteria provided, single submitter. Criteria: Invitae Variant Classification Sherloc (09022015). Collection method: clinical testing. Allele origin: germline.
Comment: This sequence change creates a premature translational stop signal (p.Gln26*) in the GDF2 gene. It is expected to result in an absent or disrupted protein product. Loss-of-function variants in GDF2 are known to be pathogenic (PMID: 26801773, 31661308, 31727138). This variant is present in population databases (no rsID available, gnomAD 0.1%). This premature translational stop signal has been observed in individuals with severe pulmonary arterial hypertension (PMID: 26801773; internal data). ClinVar contains an entry for this variant (Variation ID: 541541). For these reasons, this variant has been classified as Pathogenic.

Revvity Omics, Revvity
Classification: Pathogenic for Telangiectasia, hereditary hemorrhagic, type 5. Last evaluated: 2024-09-26. Review status: criteria provided, single submitter. Criteria: ACMG Guidelines, 2015. Collection method: clinical testing. Allele origin: germline.

John Welsh Cardiovascular Diagnostic Laboratory, Baylor College of Medicine
Classification: Likely pathogenic for Pulmonary arterial hypertension. Last evaluated: 2022-09-26. Review status: no assertion criteria provided. Criteria: ACMG Guidelines, 2015. Collection method: clinical testing. Allele origin: germline. Affected: yes. Not counted in ClinVar's aggregate classification.

Literature cited by the submitters: PubMed 26801773 (cited by Labcorp Genetics (formerly Invitae), Labcorp); PubMed 31661308 (cited by Labcorp Genetics (formerly Invitae), Labcorp); PubMed 31727138 (cited by Labcorp Genetics (formerly Invitae), Labcorp).

NM_016204.4(GDF2):c.76C>T (p.Gln26Ter)

Gene: GDF2 (growth differentiation factor 2; plus strand). Cytogenetic location: 10q11.22.
Variant type: single nucleotide variant.
Coding change: c.76C>T on transcript NM_016204.4 (MANE Select); coding-DNA position 76, C replaced by T.
Protein change: p.Gln26Ter; replaces glutamine 26 with a stop codon.
Molecular consequence: nonsense.
Genome position (GRCh38, 1-based): chr10:47,322,744, C>T. VCF-style: chr10-47322744-C-T. GRCh37 (hg19) VCF-style: chr10-48416618-G-A.
Other names: short protein forms Q26*.
Identifiers: ClinVar variation 541541 (VCV000541541.11), dbSNP rs1555208696, ClinGen allele CA376651936.
Genomic context (GRCh38, chr10:47,322,744, plus strand): 5'-CTGTGGGTGGCCCTGCCCCTGCTGTCCCTGCTGGCTGGCTCCCTACAGGGGAAGCCACTG[C>T]AGAGCTGGGGACGAGGGTCTGCTGGGGGAAACGCCCACAGCCCACTGGGGGTGCCTGGAG-3'